The following is an entry in ClinVar:

NM_005068.3(SIM1):c.2106C>T (p.His702=)

Gene: SIM1 (SIM bHLH transcription factor 1; minus strand). Cytogenetic location: 6q16.3.
Variant type: single nucleotide variant.
Coding change: c.2106C>T on transcript NM_005068.3 (MANE Select); coding-DNA position 2106, C replaced by T.
Protein change: p.His702=; no amino-acid change (histidine 702 retained).
Molecular consequence: synonymous variant.
Genome position (GRCh38, 1-based): chr6:100,390,556, G>A on the plus strand (C>T on the coding strand, the complement: SIM1 is on the minus strand). VCF-style: chr6-100390556-G-A. GRCh37 (hg19) VCF-style: chr6-100838432-G-A.
Other names: c.2106C>T, p.His702= (NM_001374769.1).
Identifiers: ClinVar variation 3351926 (VCV003351926.1).

ClinVar aggregate classification (germline): Likely benign (0 of 4 stars; one submission).

Conditions:
SIM1-related disorder. Also called: SIM1-related condition; SIM1-related disorders.

gnomAD v4.1: 2 of 1,614,068 alleles (0.00012%); highest among the groups gnomAD compares: African/African-American, 0.0013%; no homozygotes.

Submission:

PreventionGenetics, part of Exact Sciences
Classification: Likely benign for SIM1-related condition. Last evaluated: 2023-11-02. Review status: no assertion criteria provided. Collection method: clinical testing. Allele origin: germline.
Comment: This variant is classified as likely benign based on ACMG/AMP sequence variant interpretation guidelines (Richards et al. 2015 PMID: 25741868, with internal and published modifications).